The following is an entry in ClinVar:

NM_015631.6(TCTN3):c.412_413del (p.Val138fs)

Gene: TCTN3 (tectonic family member 3; minus strand). Cytogenetic location: 10q24.1.
Variant type: Deletion.
Coding change: c.412_413del on transcript NM_015631.6 (MANE Select); coding-DNA positions 412 to 413, 2 bases deleted (GT; older notation c.412_413delGT).
Protein change: p.Val138fs; shifts the reading frame from valine 138.
Molecular consequence: frameshift variant.
Genome position (GRCh38, 1-based): chr10:95,693,006-95,693,007, AC deleted on the plus strand (GT on the coding strand, the reverse complement: TCTN3 is on the minus strand); deleting any 2 consecutive bases within chr10:95,693,006-95,693,008 gives the same sequence; the c. name uses the placement nearest the transcript's 3' end. VCF-style (leftmost placement, unchanged base first): chr10-95693005-AAC-A. GRCh37 (hg19) VCF-style: chr10-97452762-AAC-A.
Other names: c.465_466delTG, p.Val156Tyrfs (NM_001013840.1); c.412_413del, p.Val138fs (NM_001143973.2); c.411_412delTG, p.Val138Tyrfs (NM_001410982.1); short protein forms V138fs.
Identifiers: ClinVar variation 2129810 (VCV002129810.4), dbSNP rs2097955017, ClinGen allele CA1929657977.

ClinVar aggregate classification (germline): Pathogenic (1 of 4 stars; one submission).

Conditions:
Joubert syndrome 18 (JBTS18). Identifiers: Orphanet 2754, MedGen C3553758, MONDO:0013896, OMIM 614815.
Orofacial-digital syndrome IV (OFD4). Also called: BARAITSER-BURN SYNDROME; OFD SYNDROME WITH TIBIAL DEFECTS; OFD SYNDROME, BARAITSER-BURN TYPE; OFDS IV; ORAL-FACIAL-DIGITAL SYNDROME, TYPE IV; Orofaciodigital syndrome IV. Identifiers: Orphanet 2753, MedGen C0406727, MONDO:0009794, OMIM 258860.

Submission:

Labcorp Genetics (formerly Invitae), Labcorp
Classification: Pathogenic for Joubert syndrome 18; Orofacial-digital syndrome IV. Last evaluated: 2022-10-17. Review status: criteria provided, single submitter. Criteria: Invitae Variant Classification Sherloc (09022015). Collection method: clinical testing. Allele origin: germline.
Comment: For these reasons, this variant has been classified as Pathogenic. This variant has not been reported in the literature in individuals affected with TCTN3-related conditions. This variant is not present in population databases (gnomAD no frequency). This sequence change creates a premature translational stop signal (p.Val138Tyrfs*5) in the TCTN3 gene. It is expected to result in an absent or disrupted protein product. Loss-of-function variants in TCTN3 are known to be pathogenic (PMID: 2692869, 22883145, 25118024).

Literature cited by the submitters: PubMed 2692869; PubMed 22883145; PubMed 25118024.